The following is an entry in ClinVar:

NM_206933.4(USH2A):c.9484G>A (p.Asp3162Asn)

Gene: USH2A (usherin; minus strand). Cytogenetic location: 1q41.
Variant type: single nucleotide variant.
Coding change: c.9484G>A on transcript NM_206933.4 (MANE Select); coding-DNA position 9484, G replaced by A.
Protein change: p.Asp3162Asn; replaces aspartic acid 3162 with asparagine.
Molecular consequence: missense variant.
Genome position (GRCh38, 1-based): chr1:215,817,083, C>T on the plus strand (G>A on the coding strand, the complement: USH2A is on the minus strand). VCF-style: chr1-215817083-C-T. GRCh37 (hg19) VCF-style: chr1-215990425-C-T.
Other names: c.9484G>A (NM_206933.2); short protein forms D3162N.
Identifiers: ClinVar variation 1464562 (VCV001464562.4), dbSNP rs1042224866, ClinGen allele CA37428059.

ClinVar aggregate classification (germline): Uncertain significance. Review status: criteria provided, multiple submitters, no conflicts (2 of 4 stars). 2 submissions from 2 submitters: Uncertain significance (2). Last evaluated 2025-02-12.

Conditions:
Inborn genetic diseases. Identifiers: MedGen C0950123, MeSH D030342.

Allele frequency attached by ClinVar (database versions not stated): gnomAD 0.00001; TOPMed below 0.00001.
gnomAD v4.1: 5 of 1,612,748 alleles (0.00031%); highest among the groups gnomAD compares: Admixed American, 0.0033%; no homozygotes.

Submissions (2):

Ambry Genetics
Classification: Uncertain significance for Inborn genetic diseases. Last evaluated: 2025-02-12. Review status: criteria provided, single submitter. Criteria: Ambry Variant Classification Scheme 2023. Collection method: clinical testing. Allele origin: germline.

Labcorp Genetics (formerly Invitae), Labcorp
Classification: Uncertain significance. Last evaluated: 2022-01-13. Review status: criteria provided, single submitter. Criteria: Invitae Variant Classification Sherloc (09022015). Collection method: clinical testing. Allele origin: germline.
Comment: This sequence change replaces aspartic acid, which is acidic and polar, with asparagine, which is neutral and polar, at codon 3162 of the USH2A protein (p.Asp3162Asn). This variant is not present in population databases (gnomAD no frequency). This variant has not been reported in the literature in individuals affected with USH2A-related conditions. Algorithms developed to predict the effect of missense changes on protein structure and function output the following: SIFT: "Tolerated"; PolyPhen-2: "Benign"; Align-GVGD: "Class C0". The asparagine amino acid residue is found in multiple mammalian species, which suggests that this missense change does not adversely affect protein function. In summary, the available evidence is currently insufficient to determine the role of this variant in disease. Therefore, it has been classified as a Variant of Uncertain Significance.